The following is an entry in ClinVar:

ClinVar aggregate classification (germline): Benign (1 of 4 stars; one submission).

Submission:

Women's Health and Genetics/Laboratory Corporation of America, LabCorp
Classification: Benign. Last evaluated: 2020-02-17. Review status: criteria provided, single submitter. Criteria: LabCorp Variant Classification Summary - May 2015. Collection method: clinical testing. Allele origin: germline.
Comment: Variant summary: RYR2 c.1477-13_1477-11delTTT removes 3 nucleotides form a 14 nucleotide long poly T tract that is located close to a canonical splice site and therefore could affect mRNA splicing, leading to a significantly altered protein sequence. 4/4 computational tools predict no significant impact on normal splicing. However, these predictions have yet to be confirmed by functional studies. The variant allele was found at a frequency of 0.00032 in 142038 control chromosomes. The observed variant frequency is approximately 13 fold of the estimated maximal expected allele frequency for a pathogenic variant in RYR2 causing Cardiomyopathy phenotype (2.5e-05), strongly suggesting that the variant is benign. To our knowledge, no occurrence of c.1477-13_1477-11delTTT in individuals affected with Cardiomyopathy and no experimental evidence demonstrating its impact on protein function have been reported. No clinical diagnostic laboratories have submitted clinical-significance assessments for this variant to ClinVar after 2014. Based on the evidence outlined above, the variant was classified as benign.

NM_001035.3(RYR2):c.1477-13_1477-11del

Gene: RYR2 (ryanodine receptor 2; plus strand). Cytogenetic location: 1q43.
Variant type: Deletion.
Coding change: c.1477-13_1477-11del on transcript NM_001035.3 (MANE Select); 13 bases into the intron before coding-DNA position 1477 through 11 bases into the intron before coding-DNA position 1477, 3 bases deleted (TTT; older notation c.1477-13_1477-11delTTT).
Molecular consequence: intron variant.
Genome position (GRCh38, 1-based): chr1:237,456,587-237,456,589, TTT deleted; deleting any 3 consecutive bases within chr1:237,456,576-237,456,589 gives the same sequence; the c. name uses the placement nearest the transcript's 3' end. VCF-style (leftmost placement, unchanged base first): chr1-237456575-ATTT-A. GRCh37 (hg19) VCF-style: chr1-237619875-ATTT-A.
Identifiers: ClinVar variation 917674 (VCV000917674.1), dbSNP rs397516518, ClinGen allele CA085760.